The following is an entry in ClinVar:

NM_015271.5(TRIM2):c.511G>C (p.Gly171Arg)

Gene: TRIM2 (tripartite motif containing 2; plus strand). Cytogenetic location: 4q31.3.
Variant type: single nucleotide variant.
Coding change: c.511G>C on transcript NM_015271.5 (MANE Select); coding-DNA position 511, G replaced by C.
Protein change: p.Gly171Arg; replaces glycine 171 with arginine.
Molecular consequence: missense variant. On other transcripts: intron variant (2).
Genome position (GRCh38, 1-based): chr4:153,293,039, G>C. VCF-style: chr4-153293039-G-C. GRCh37 (hg19) VCF-style: chr4-154214191-G-C.
Other names: c.430G>C, p.Gly144Arg (NM_001130067.2, NM_001351056.2, NM_001375512.1 and 5 more transcripts); c.484G>C, p.Gly162Arg (NM_001351054.2); c.481G>C, p.Gly161Arg (NM_001351055.2); c.55G>C, p.Gly19Arg (NM_001351057.2); c.604G>C, p.Gly202Arg (NM_001375488.1); c.601G>C, p.Gly201Arg (NM_001375489.1); c.511G>C, p.Gly171Arg (NM_001375490.1); c.508G>C, p.Gly170Arg (NM_001375491.1); and 3 more; short protein forms G162R, G171R, G201R, G161R, G19R, G144R, G170R, G202R.
Identifiers: ClinVar variation 2112598 (VCV002112598.4), dbSNP rs375213888, ClinGen allele CA3108565.
Genomic context (GRCh38, chr4:153,293,039, plus strand): 5'-CAGGTGATGGAATTTTACTGCCAGTCCTGTGAGACTGCCATGTGTCGGGAGTGCACGGAG[G>C]GGGAGCACGCAGAGCACCCCACAGTTCCACTCAAGGATGTGGTGGAACAGCACAAGGCCT-3'
Protein context (NP_056086.2, residues 161-181): ETAMCRECTE[Gly171Arg]EHAEHPTVPL

ClinVar aggregate classification (germline): Uncertain significance (1 of 4 stars; one submission).

Conditions:
Charcot-Marie-Tooth disease type 2R. Also called: CHARCOT-MARIE-TOOTH DISEASE, AXONAL, AUTOSOMAL RECESSIVE, TYPE 2R; Charcot-Marie-Tooth disease, axonal, type 2R; CHARCOT-MARIE-TOOTH NEUROPATHY, TYPE 2R. Identifiers: Orphanet 397968, MedGen C3809655, MONDO:0014208, OMIM 615490.

Allele frequency attached by ClinVar (database versions not stated): TOPMed 0.00002; ExAC 0.00003; ESP Exome Variant Server 0.00008.
gnomAD v4.1: 21 of 1,613,604 alleles (0.0013%); highest among the groups gnomAD compares: South Asian, 0.0044%; 1 homozygote.

Submission:

Labcorp Genetics (formerly Invitae), Labcorp
Classification: Uncertain significance for Charcot-Marie-Tooth disease type 2R. Last evaluated: 2024-07-03. Review status: criteria provided, single submitter. Criteria: Invitae Variant Classification Sherloc (09022015). Collection method: clinical testing. Allele origin: germline.
Comment: This sequence change replaces glycine, which is neutral and non-polar, with arginine, which is basic and polar, at codon 144 of the TRIM2 protein (p.Gly144Arg). This variant is present in population databases (rs375213888, gnomAD 0.007%). This variant has not been reported in the literature in individuals affected with TRIM2-related conditions. ClinVar contains an entry for this variant (Variation ID: 2112598). An algorithm developed to predict the effect of missense changes on protein structure and function (PolyPhen-2) suggests that this variant is likely to be disruptive. In summary, the available evidence is currently insufficient to determine the role of this variant in disease. Therefore, it has been classified as a Variant of Uncertain Significance.